The following is an entry in ClinVar:

ClinVar aggregate classification (germline): Benign (1 of 4 stars; one submission).

Conditions:
Cataract 6 multiple types. Also called: CATARACT, AGE-RELATED CORTICAL, 2; CATARACT 6, POSTERIOR POLAR; CATARACT 6, CONGENITAL TOTAL. Identifiers: Orphanet 91492, MedGen C1861825, MONDO:0007288, OMIM 116600.

Allele frequency attached by ClinVar (database versions not stated): gnomAD 0.00033 and 0.00022; TOPMed 0.00033; gnomAD exomes 0.00044; 1000 Genomes Project 0.00240; 1000 Genomes Project 30x 0.00265.
gnomAD v4.1: 53 of 159,354 alleles (0.033%); highest among the groups gnomAD compares: East Asian, 0.88%; 1 homozygote.

Submission:

Illumina Laboratory Services, Illumina
Classification: Benign for Cataract 6 multiple types. Last evaluated: 2018-01-12. Review status: criteria provided, single submitter. Criteria: ICSL Variant Classification Criteria 13 December 2019. Collection method: clinical testing. Allele origin: germline.
Comment: This variant was observed in the ICSL laboratory as part of a predisposition screen in an ostensibly healthy population. It had not been previously curated by ICSL or reported in the Human Gene Mutation Database (HGMD: prior to June 1st, 2018), and was therefore a candidate for classification through an automated scoring system. Utilizing variant allele frequency, disease prevalence and penetrance estimates, and inheritance mode, an automated score was calculated to assess if this variant is too frequent to cause the disease. Based on the score and internal cut-off values, a variant classified as benign is not then subjected to further curation. The score for this variant resulted in a classification of benign for this disease.

NM_004431.5(EPHA2):c.*510G>A

Gene: EPHA2 (EPH receptor A2; minus strand). Cytogenetic location: 1p36.13.
Variant type: single nucleotide variant.
Coding change: c.*510G>A on transcript NM_004431.5 (MANE Select); 510 bases downstream of the stop codon, G replaced by A.
Molecular consequence: 3 prime UTR variant.
Genome position (GRCh38, 1-based): chr1:16,124,705, C>T on the plus strand (G>A on the coding strand, the complement: EPHA2 is on the minus strand). VCF-style: chr1-16124705-C-T. GRCh37 (hg19) VCF-style: chr1-16451200-C-T.
Other names: c.*510G>A (NM_001329090.2).
Identifiers: ClinVar variation 293396 (VCV000293396.5), dbSNP rs144559615, ClinGen allele CA10608526.